The following is an entry in ClinVar:

NM_000096.4(CP):c.1123T>C (p.Tyr375His)

Gene: CP (ceruloplasmin; minus strand). Cytogenetic location: 3q25.1.
Variant type: single nucleotide variant.
Coding change: c.1123T>C on transcript NM_000096.4 (MANE Select); coding-DNA position 1123, T replaced by C.
Protein change: p.Tyr375His; replaces tyrosine 375 with histidine.
Molecular consequence: missense variant. On other transcripts: non-coding transcript variant (1).
Genome position (GRCh38, 1-based): chr3:149,206,253, A>G on the plus strand (T>C on the coding strand, the complement: CP is on the minus strand). VCF-style: chr3-149206253-A-G. GRCh37 (hg19) VCF-style: chr3-148924040-A-G.
Other names: short protein forms Y375H.
Identifiers: ClinVar variation 42128 (VCV000042128.4), dbSNP rs386134128, ClinGen allele CA344582.

ClinVar aggregate classification (germline): Uncertain significance. Review status: criteria provided, single submitter (1 of 4 stars). 2 submissions from 2 submitters: Uncertain significance (1). 1 of the submissions does not count toward it. Last evaluated 2022-12-25.

Conditions:
Deficiency of ferroxidase (ACEP). Also called: Deficiency of ceruloplasmin; Aceruloplasminemia; Ceruloplasmin deficiency; Familial apoceruloplasmin deficiency; Hereditary ceruloplasmin deficiency; NEURODEGENERATION WITH BRAIN IRON ACCUMULATION 10. Identifiers: Orphanet 48818, MedGen C0878682, MONDO:0011426, OMIM 604290, HP:0025498.

Allele frequency attached by ClinVar (database versions not stated): gnomAD exomes 0.00001.
gnomAD v4.1: 8 of 1,614,038 alleles (0.0005%); highest among the groups gnomAD compares: Non-Finnish European, 0.00068%; no homozygotes.

Submissions (2):

Women's Health and Genetics/Laboratory Corporation of America, LabCorp
Classification: Uncertain significance. Last evaluated: 2022-12-25. Review status: criteria provided, single submitter. Criteria: LabCorp Variant Classification Summary - May 2015. Collection method: clinical testing. Allele origin: germline.
Comment: Variant summary: CP c.1123T>C (p.Tyr375His) results in a conservative amino acid change in the encoded protein sequence. Four of five in-silico tools predict a damaging effect of the variant on protein function. The variant was absent in 251210 control chromosomes. To our knowledge, no occurrence of c.1123T>C in individuals affected with Neurodegeneration With Brain Iron Accumulation/aceruloplasminemia has been reported. At least one publication reports experimental evidence evaluating an impact on protein function (Kono_2010). The most pronounced variant effect results in failure to stabilize cell surface Ferroportin because of impaired the ferroxidase activity (approximately 20% of WT) which is required for Ferroportin stability. No clinical diagnostic laboratories have submitted clinical-significance assessments for this variant to ClinVar after 2014. Based on the evidence outlined above, the variant was classified as VUS-possibly pathogenic.

GeneReviews
Classification: Pathogenic for Aceruloplasminemia. Last evaluated: 2013-04-18. Review status: no assertion criteria provided. Collection method: curation. Allele origin: unknown. Not counted in ClinVar's aggregate classification.
ClinVar note: Converted during submission from pathologic to Pathogenic.

Literature cited by the submitters: PubMed 20655381 (cited by Women's Health and Genetics/Laboratory Corporation of America, LabCorp); PubMed 32235485 (cited by Women's Health and Genetics/Laboratory Corporation of America, LabCorp); PubMed 12351628 (cited by Women's Health and Genetics/Laboratory Corporation of America, LabCorp).